The following is an entry in ClinVar:

ClinVar aggregate classification (germline): Uncertain significance. Review status: criteria provided, multiple submitters, no conflicts (2 of 4 stars). 3 submissions from 3 submitters: Uncertain significance (3). Last evaluated 2024-11-01.

Conditions:
Desbuquois dysplasia 1 (DBQD1). Also called: DESBUQUOIS DYSPLASIA 1, KIM VARIANT; MICROMELIC DWARFISM WITH VERTEBRAL AND METAPHYSEAL ABNORMALITIES AND ADVANCED CARPOTARSAL OSSIFICATION. Identifiers: Orphanet 1425, MedGen C4012146, MONDO:0009629, OMIM 251450.

Allele frequency attached by ClinVar (database versions not stated): gnomAD 0.00006 and 0.00005; ExAC 0.00002; TOPMed 0.00003.

Submissions (3):

Blueprint Genetics
Classification: Uncertain significance. Last evaluated: 2024-11-01. Review status: criteria provided, single submitter. Criteria: ACMG Guidelines, 2015. Collection method: clinical testing. Allele origin: germline.

Labcorp Genetics (formerly Invitae), Labcorp
Classification: Uncertain significance. Last evaluated: 2022-07-12. Review status: criteria provided, single submitter. Criteria: Invitae Variant Classification Sherloc (09022015). Collection method: clinical testing. Allele origin: germline.
Comment: This sequence change replaces threonine, which is neutral and polar, with methionine, which is neutral and non-polar, at codon 184 of the CANT1 protein (p.Thr184Met). This variant is present in population databases (rs770371904, gnomAD 0.004%). This variant has not been reported in the literature in individuals affected with CANT1-related conditions. ClinVar contains an entry for this variant (Variation ID: 523074). Algorithms developed to predict the effect of missense changes on protein structure and function (SIFT, PolyPhen-2, Align-GVGD) all suggest that this variant is likely to be disruptive. In summary, the available evidence is currently insufficient to determine the role of this variant in disease. Therefore, it has been classified as a Variant of Uncertain Significance.

Genomic Research Center, Shahid Beheshti University of Medical Sciences
Classification: Uncertain significance for Desbuquois dysplasia 1. Last evaluated: 2019-02-10. Review status: criteria provided, single submitter. Criteria: ACMG Guidelines, 2015. Collection method: clinical testing. Allele origin: inherited. Affected: yes.

NM_001159773.2(CANT1):c.551C>T (p.Thr184Met)

Gene: CANT1 (calcium activated nucleotidase 1; minus strand). Cytogenetic location: 17q25.3.
Variant type: single nucleotide variant.
Coding change: c.551C>T on transcript NM_001159773.2 (MANE Select); coding-DNA position 551, C replaced by T.
Protein change: p.Thr184Met; replaces threonine 184 with methionine.
Molecular consequence: missense variant.
Genome position (GRCh38, 1-based): chr17:78,997,072, G>A on the plus strand (C>T on the coding strand, the complement: CANT1 is on the minus strand). VCF-style: chr17-78997072-G-A. GRCh37 (hg19) VCF-style: chr17-76993154-G-A.
Other names: c.551C>T, p.Thr184Met (NM_001159772.2, NM_138793.4); short protein forms T184M.
Identifiers: ClinVar variation 523074 (VCV000523074.9), dbSNP rs770371904, ClinGen allele CA8808711.
Genomic context (GRCh38, chr17:78,997,072, plus strand): 5'-CCGTCGGACAGAATCACCCAGGGCACGGCTTTGCTGCCTTCGATCTGGTAGACGACCCCC[G>A]TCCGGTCATCCACGGAGTAGAGTTTCCCATTGAAAACAATCAGGTCGGATAGCTCCATGC-3'
Protein context (NP_001153245.1, residues 174-194): NGKLYSVDDR[Thr184Met]GVVYQIEGSK